The following is an entry in ClinVar:

ClinVar aggregate classification (germline): Uncertain significance (1 of 4 stars; one submission).

Submission:

GeneDx
Classification: Uncertain significance. Last evaluated: 2023-10-20. Review status: criteria provided, single submitter. Criteria: GeneDx Variant Classification Process June 2021. Collection method: clinical testing. Allele origin: germline. Affected: yes.
Comment: Not observed at significant frequency in large population cohorts (gnomAD); In silico analysis supports that this missense variant does not alter protein structure/function; Has not been previously published as pathogenic or benign to our knowledge

NM_014991.6(WDFY3):c.9076G>T (p.Val3026Leu)

Genes: WDFY3 (WD repeat and FYVE domain containing 3; minus strand), LOC126807101 (CDK7 strongly-dependent group 2 enhancer GRCh37_chr4:85612241-85613440; plus strand). Cytogenetic location: 4q21.23.
Variant type: single nucleotide variant.
Coding change: c.9076G>T on transcript NM_014991.6 (MANE Select); coding-DNA position 9076, G replaced by T.
Protein change: p.Val3026Leu; replaces valine 3026 with leucine.
Molecular consequence: missense variant.
Genome position (GRCh38, 1-based): chr4:84,691,759, C>A on the plus strand (G>T on the coding strand, the complement: WDFY3 is on the minus strand). VCF-style: chr4-84691759-C-A. GRCh37 (hg19) VCF-style: chr4-85612912-C-A.
Other names: short protein forms V3026L.
Identifiers: ClinVar variation 3363333 (VCV003363333.1).